The following is an entry in ClinVar:

NM_004482.4(GALNT3):c.1681T>A (p.Cys561Ser)

Gene: GALNT3 (polypeptide N-acetylgalactosaminyltransferase 3; minus strand). Cytogenetic location: 2q24.3.
Variant type: single nucleotide variant.
Coding change: c.1681T>A on transcript NM_004482.4 (MANE Select); coding-DNA position 1681, T replaced by A.
Protein change: p.Cys561Ser; replaces cysteine 561 with serine.
Molecular consequence: missense variant.
Genome position (GRCh38, 1-based): chr2:165,749,840, A>T on the plus strand (T>A on the coding strand, the complement: GALNT3 is on the minus strand). VCF-style: chr2-165749840-A-T. GRCh37 (hg19) VCF-style: chr2-166606350-A-T.
Other names: short protein forms C561S.
Identifiers: ClinVar variation 2780010 (VCV002780010.4), dbSNP rs1558992611, ClinGen allele CA349028659.

ClinVar aggregate classification (germline): Likely pathogenic. Review status: criteria provided, multiple submitters, no conflicts (2 of 4 stars). 2 submissions from 2 submitters: Likely pathogenic (2). Last evaluated 2024-07-19.

Conditions:
Tumoral calcinosis, hyperphosphatemic, familial, 1. Also called: CALCINOSIS, TUMORAL, WITH HYPERPHOSPHATEMIA; LIPOCALCINOGRANULOMATOSIS; MORBUS TEUTSCHLAENDER; TEUTSCHLAENDER DISEASE, FAMILIAL; TUMORAL CALCINOSIS, PRIMARY HYPERPHOSPHATEMIC; HYPEROSTOSIS WITH HYPERPHOSPHATEMIA. Identifiers: Orphanet 53715, MedGen C4692564, MONDO:0100252, OMIM 211900.

Submissions (2):

Labcorp Genetics (formerly Invitae), Labcorp
Classification: Likely pathogenic. Last evaluated: 2024-07-19. Review status: criteria provided, single submitter. Criteria: Invitae Variant Classification Sherloc (09022015). Collection method: clinical testing. Allele origin: germline.
Comment: This sequence change replaces cysteine, which is neutral and slightly polar, with serine, which is neutral and polar, at codon 561 of the GALNT3 protein (p.Cys561Ser). This variant is not present in population databases (gnomAD no frequency). This missense change has been observed in individual(s) with tumoral calcinosis (PMID: 33614378). It has also been observed to segregate with disease in related individuals. Advanced modeling of protein sequence and biophysical properties (such as structural, functional, and spatial information, amino acid conservation, physicochemical variation, residue mobility, and thermodynamic stability) performed at Invitae indicates that this missense variant is expected to disrupt GALNT3 protein function with a positive predictive value of 80%. In summary, the currently available evidence indicates that the variant is pathogenic, but additional data are needed to prove that conclusively. Therefore, this variant has been classified as Likely Pathogenic.

Fulgent Genetics
Classification: Likely pathogenic for Tumoral calcinosis, hyperphosphatemic, familial, 1. Last evaluated: 2024-03-21. Review status: criteria provided, single submitter. Criteria: ACMG Guidelines, 2015. Collection method: clinical testing. Allele origin: germline.

Literature cited by the submitters: PubMed 33614378 (cited by Labcorp Genetics (formerly Invitae), Labcorp).